The following is an entry in ClinVar:

ClinVar aggregate classification (germline): Benign/Likely benign. Review status: criteria provided, multiple submitters, no conflicts (2 of 4 stars). 7 submissions from 6 submitters: Benign (1); Likely benign (6). Last evaluated 2026-01-01.

Conditions:
Pierson syndrome. Also called: MICROCORIA-CONGENITAL NEPHROTIC SYNDROME. Identifiers: Orphanet 2670, MedGen C1836876, MONDO:0012184, OMIM 609049.
LAMB2-related infantile-onset nephrotic syndrome. Also called: Nephrotic Syndrome, type 5; NEPHROTIC SYNDROME, TYPE 5, WITHOUT OCULAR ABNORMALITIES; NEPHROTIC SYNDROME, TYPE 5, WITH OCULAR ABNORMALITIES. Identifiers: Orphanet 306507, MedGen C3280113, MONDO:0013621, OMIM 614199.

Allele frequency attached by ClinVar (database versions not stated): gnomAD exomes 0.00018 and 0.00043; ExAC 0.00055; gnomAD 0.00163 and 0.00173; TOPMed 0.00189; ESP Exome Variant Server 0.00208; 1000 Genomes Project 0.00220; 1000 Genomes Project 30x 0.00265.
gnomAD v4.1: 542 of 1,614,072 alleles (0.034%); highest among the groups gnomAD compares: African/African-American, 0.59%; 2 homozygotes.

Submissions (7):

CeGaT Center for Human Genetics Tuebingen
Classification: Likely benign. Last evaluated: 2026-01-01. Review status: criteria provided, single submitter. Criteria: CeGaT Center For Human Genetics Tuebingen Variant Classification Criteria Version 2. Collection method: clinical testing. Allele origin: germline. Affected: yes. Observed: 1 variant allele.
Comment: LAMB2: BP4, BP7

Labcorp Genetics (formerly Invitae), Labcorp
Classification: Benign for LAMB2-related infantile-onset nephrotic syndrome; Pierson syndrome. Last evaluated: 2025-12-19. Review status: criteria provided, single submitter. Criteria: Invitae Variant Classification Sherloc (09022015). Collection method: clinical testing. Allele origin: germline.

Mayo Clinic Laboratories, Mayo Clinic
Classification: Likely benign. Last evaluated: 2024-10-26. Review status: criteria provided, single submitter. Criteria: ACMG Guidelines, 2015. Collection method: clinical testing. Allele origin: germline. Observed: 2 variant alleles.
Comment: BS1, BP4, BP7

Illumina Laboratory Services, Illumina
Classification: Likely benign for LAMB2-related infantile-onset nephrotic syndrome. Last evaluated: 2018-01-12. Review status: criteria provided, single submitter. Criteria: ICSL Variant Classification Criteria 13 December 2019. Collection method: clinical testing. Allele origin: germline.
Comment: This variant was observed in the ICSL laboratory as part of a predisposition screen in an ostensibly healthy population. It had not been previously curated by ICSL or reported in the Human Gene Mutation Database (HGMD: prior to June 1st, 2018), and was therefore a candidate for classification through an automated scoring system. Utilizing variant allele frequency, disease prevalence and penetrance estimates, and inheritance mode, an automated score was calculated to assess if this variant is too frequent to cause the disease. Based on the score and internal cut-off values, a variant classified as likely benign is not then subjected to further curation. The score for this variant resulted in a classification of likely benign for this disease.

Illumina Laboratory Services, Illumina
Classification: Likely benign for Pierson syndrome. Last evaluated: 2018-01-12. Review status: criteria provided, single submitter. Criteria: ICSL Variant Classification Criteria 13 December 2019. Collection method: clinical testing. Allele origin: germline.
Comment: the same text as in the submission from Illumina Laboratory Services, Illumina above.

Eurofins Ntd Llc (ga)
Classification: Likely benign. Last evaluated: 2017-04-17. Review status: criteria provided, single submitter. Criteria: EGL Classification Definitions 2015. Collection method: clinical testing. Allele origin: germline. Observed: 1 variant allele, 1 heterozygote.

Breakthrough Genomics
Classification: Likely benign. Review status: criteria provided, single submitter. Criteria: ACMG Guidelines, 2015. Collection method: not provided. Allele origin: germline. Inheritance: Autosomal recessive inheritance. Affected: yes.

NM_002292.4(LAMB2):c.5166A>G (p.Gln1722=)

Gene: LAMB2 (laminin subunit beta 2; minus strand). Cytogenetic location: 3p21.31.
Variant type: single nucleotide variant.
Coding change: c.5166A>G on transcript NM_002292.4 (MANE Select); coding-DNA position 5166, A replaced by G.
Protein change: p.Gln1722=; no amino-acid change (glutamine 1722 retained).
Molecular consequence: synonymous variant.
Genome position (GRCh38, 1-based): chr3:49,121,527, T>C on the plus strand (A>G on the coding strand, the complement: LAMB2 is on the minus strand). VCF-style: chr3-49121527-T-C. GRCh37 (hg19) VCF-style: chr3-49158960-T-C.
Other names: p.Gln1722=.
Identifiers: ClinVar variation 472495 (VCV000472495.24), dbSNP rs114485284, ClinGen allele CA2393589.